The following is an entry in ClinVar:

NM_000307.5(POU3F4):c.588G>C (p.Gln196His)

Gene: POU3F4 (POU class 3 homeobox 4; plus strand). Cytogenetic location: Xq21.1.
Variant type: single nucleotide variant.
Coding change: c.588G>C on transcript NM_000307.5 (MANE Select); coding-DNA position 588, G replaced by C.
Protein change: p.Gln196His; replaces glutamine 196 with histidine.
Molecular consequence: missense variant.
Genome position (GRCh38, 1-based): chrX:83,508,912, G>C. VCF-style: chrX-83508912-G-C. GRCh37 (hg19) VCF-style: chrX-82763920-G-C.
Other names: c.588G>C (NM_000307.3); short protein forms Q196H.
Identifiers: ClinVar variation 593646 (VCV000593646.43), dbSNP rs770776910, ClinGen allele CA10462795.

ClinVar aggregate classification (germline): Conflicting classifications of pathogenicity. Review status: criteria provided, conflicting classifications (1 of 4 stars). 4 submissions from 4 submitters: Uncertain significance (2); Benign (1); Likely benign (1). Last evaluated 2025-11-26.

Conditions:
Inborn genetic diseases. Identifiers: MedGen C0950123, MeSH D030342.

Allele frequency attached by ClinVar (database versions not stated): gnomAD 0.00003 and 0.00004; gnomAD exomes 0.00003 and 0.00005; TOPMed 0.00003; ExAC 0.00004.
gnomAD v4.1: 58 of 1,210,839 alleles (0.0048%); highest among the groups gnomAD compares: Non-Finnish European, 0.0063%; no homozygotes.

Submissions (4):

Ambry Genetics
Classification: Uncertain significance for Inborn genetic diseases. Last evaluated: 2025-11-26. Review status: criteria provided, single submitter. Criteria: Ambry Variant Classification Scheme 2023. Collection method: clinical testing. Allele origin: germline.
Comment: The c.588G>C (p.Q196H) alteration is located in exon 1 (coding exon 1) of the POU3F4 gene. This alteration results from a G to C substitution at nucleotide position 588, causing the glutamine (Q) at amino acid position 196 to be replaced by a histidine (H). Based on data from gnomAD, the C allele has an overall frequency of 0.003% (5/182924) total alleles studied. The highest observed frequency was 0.006% (5/81550) of European (non-Finnish) alleles. Based on insufficient or conflicting evidence, the clinical significance of this alteration remains unclear.

CeGaT Center for Human Genetics Tuebingen
Classification: Likely benign. Last evaluated: 2024-01-01. Review status: criteria provided, single submitter. Criteria: CeGaT Center For Human Genetics Tuebingen Variant Classification Criteria Version 2. Collection method: clinical testing. Allele origin: germline. Affected: yes. Observed: 2 variant alleles.
Comment: POU3F4: PP3, BS2

Labcorp Genetics (formerly Invitae), Labcorp
Classification: Benign. Last evaluated: 2023-04-03. Review status: criteria provided, single submitter. Criteria: Invitae Variant Classification Sherloc (09022015). Collection method: clinical testing. Allele origin: germline.

Eurofins Ntd Llc (ga)
Classification: Uncertain significance. Last evaluated: 2017-09-01. Review status: criteria provided, single submitter. Criteria: EGL Classification Definitions 2015. Collection method: clinical testing. Allele origin: germline. Observed: 1 variant allele, 1 heterozygote.